The following is an entry in ClinVar:

NM_000179.3(MSH6):c.1233del (p.Lys412fs)

Gene: MSH6 (mutS homolog 6; plus strand). Cytogenetic location: 2p16.3.
Variant type: Deletion.
Coding change: c.1233del on transcript NM_000179.3 (MANE Select); coding-DNA position 1233, one base deleted (G; older notation c.1233delG).
Protein change: p.Lys412fs; shifts the reading frame from lysine 412.
Molecular consequence: frameshift variant.
Genome position (GRCh38, 1-based): chr2:47,799,216, G deleted; the last of 2 consecutive G bases (chr2:47,799,215-47,799,216); deleting either gives the same sequence. VCF-style (leftmost placement, unchanged base first): chr2-47799214-AG-A. GRCh37 (hg19) VCF-style: chr2-48026353-AG-A.
Other names: c.843del, p.Lys282fs (NM_001281492.2); c.327del, p.Lys110fs (NM_001281493.2, NM_001281494.2); c.1329delG, p.Lys444Serfs (NM_001406795.1, NM_001406802.1); c.1233delG, p.Lys412Serfs (NM_001406796.1, NM_001406798.1, NM_001406800.1 and 4 more transcripts); c.936delG, p.Lys313Serfs (NM_001406797.1, NM_001406801.1, NM_001406805.1 and 10 more transcripts); c.708delG, p.Lys237Serfs (NM_001406799.1, NM_001406806.1, NM_001406807.1); c.1155delG, p.Lys386Serfs (NM_001406804.1); c.327delG, p.Lys110Serfs (NM_001406811.1, NM_001406812.1, NM_001406814.1 and 4 more transcripts); and 2 more; short protein forms K110fs, K412fs, K282fs.
Identifiers: ClinVar variation 1756196 (VCV001756196.2), dbSNP rs2104329942, ClinGen allele CA2580067528.

ClinVar aggregate classification (germline): Pathogenic (1 of 4 stars; one submission).

Conditions:
Hereditary cancer-predisposing syndrome. Also called: Neoplastic Syndromes, Hereditary; Tumor predisposition; Hereditary Cancer Syndrome; Hereditary neoplastic syndrome. Identifiers: Orphanet 140162, MedGen C0027672, MeSH D009386, MONDO:0015356.

Submission:

Ambry Genetics
Classification: Pathogenic for Hereditary cancer-predisposing syndrome. Last evaluated: 2021-05-19. Review status: criteria provided, single submitter. Criteria: Ambry Variant Classification Scheme 2023. Collection method: clinical testing. Allele origin: germline.
Comment: The c.1233delG pathogenic mutation, located in coding exon 4 of the MSH6 gene, results from a deletion of one nucleotide at nucleotide position 1233, causing a translational frameshift with a predicted alternate stop codon (p.K412Sfs*41). This alteration is expected to result in loss of function by premature protein truncation or nonsense-mediated mRNA decay. As such, this alteration is interpreted as a disease-causing mutation.